The following is an entry in ClinVar:

NC_000001.11:g.(?_10232329)_(10371272_?)dup

Gene: KIF1B (kinesin family member 1B; plus strand). Cytogenetic location: 1p36.22.
Variant type: Duplication.
Identifiers: ClinVar variation 832949 (VCV000832949.1).

ClinVar aggregate classification (germline): Uncertain significance (1 of 4 stars; one submission).

Conditions:
Charcot-Marie-Tooth disease type 2. Also called: Charcot-Marie-Tooth type 2. Identifiers: Orphanet 64746, MedGen C0270914, MONDO:0018993.

Submission:

Labcorp Genetics (formerly Invitae), Labcorp
Classification: Uncertain significance for Charcot-Marie-Tooth disease type 2. Last evaluated: 2019-12-29. Review status: criteria provided, single submitter. Criteria: Invitae Variant Classification Sherloc (09022015). Collection method: clinical testing. Allele origin: germline.
Comment: This variant results in a copy number gain of the genomic region encompassing exons 2-43 of the KIF1B gene, which includes the initiator codon. The 5' end of this event is unknown as it extends beyond the assayed region for this gene and therefore may encompass additional genes. The 3' boundary is likely confined to intron 43 of the KIF1B gene. As the precise location of this event is unknown, it may be in tandem or it may be located elsewhere in the genome. This variant has not been reported in the literature in individuals with KIF1B-related conditions. In summary, the available evidence is currently insufficient to determine the role of this variant in disease. Therefore, it has been classified as a Variant of Uncertain Significance.